The following is an entry in ClinVar:

ClinVar aggregate classification (germline): Uncertain significance (1 of 4 stars; one submission).

Conditions:
Marfan syndrome (MFS). Also called: MARFAN SYNDROME, TYPE I; Marfan syndrome type 1; Marfan's syndrome; Marfan syndrome, classic; FBN1-Related Marfan Syndrome. Identifiers: Orphanet 284963, Orphanet 558, MedGen C0024796, MONDO:0007947, OMIM 154700.
Familial thoracic aortic aneurysm and aortic dissection (TAAD). Also called: Thoracic aortic aneurysms and dissections. Identifiers: Orphanet 91387, MedGen C4707243, MONDO:0019625.

Submission:

Labcorp Genetics (formerly Invitae), Labcorp
Classification: Uncertain significance for Marfan syndrome; Familial thoracic aortic aneurysm and aortic dissection. Last evaluated: 2024-05-15. Review status: criteria provided, single submitter. Criteria: Invitae Variant Classification Sherloc (09022015). Collection method: clinical testing. Allele origin: germline.
Comment: This sequence change replaces asparagine, which is neutral and polar, with serine, which is neutral and polar, at codon 1685 of the FBN1 protein (p.Asn1685Ser). This variant is not present in population databases (gnomAD no frequency). This variant has not been reported in the literature in individuals affected with FBN1-related conditions. Advanced modeling of protein sequence and biophysical properties (such as structural, functional, and spatial information, amino acid conservation, physicochemical variation, residue mobility, and thermodynamic stability) performed at Invitae indicates that this missense variant is expected to disrupt FBN1 protein function with a positive predictive value of 80%. In summary, the available evidence is currently insufficient to determine the role of this variant in disease. Therefore, it has been classified as a Variant of Uncertain Significance.

NM_000138.5(FBN1):c.5054A>G (p.Asn1685Ser)

Gene: FBN1 (fibrillin 1; minus strand). Cytogenetic location: 15q21.1.
Variant type: single nucleotide variant.
Coding change: c.5054A>G on transcript NM_000138.5 (MANE Select); coding-DNA position 5054, A replaced by G.
Protein change: p.Asn1685Ser; replaces asparagine 1685 with serine.
Molecular consequence: missense variant.
Genome position (GRCh38, 1-based): chr15:48,463,910, T>C on the plus strand (A>G on the coding strand, the complement: FBN1 is on the minus strand). VCF-style: chr15-48463910-T-C. GRCh37 (hg19) VCF-style: chr15-48756107-T-C.
Other names: c.5054A>G, p.Asn1685Ser (NM_001406716.1); short protein forms N1685S.
Identifiers: ClinVar variation 3750421 (VCV003750421.2).